The following is an entry in ClinVar:

ClinVar aggregate classification (germline): Benign (1 of 4 stars; one submission).

Allele frequency attached by ClinVar (database versions not stated): 1000 Genomes Project 0.00399; gnomAD 0.00908 and 0.00877; gnomAD exomes 0.01383; 1000 Genomes Project 30x 0.00422; TOPMed 0.00802.
gnomAD v4.1: 12,715 of 985,378 alleles (1.3%); highest among the groups gnomAD compares: Non-Finnish European, 1.5%; 98 homozygotes.

Submission:

CeGaT Center for Human Genetics Tuebingen
Classification: Benign. Last evaluated: 2026-09-01. Review status: criteria provided, single submitter. Criteria: CeGaT Center For Human Genetics Tuebingen Variant Classification Criteria Version 2. Collection method: clinical testing. Allele origin: germline. Affected: yes. Observed: 65 variant alleles.
Comment: TRAK1: BS1, BS2

NM_001042646.3(TRAK1):c.2066+978C>T

Gene: TRAK1 (trafficking kinesin protein 1; plus strand). Cytogenetic location: 3p22.1.
Variant type: single nucleotide variant.
Coding change: c.2066+978C>T on transcript NM_001042646.3 (MANE Select); 978 bases into the intron after coding-DNA position 2066, C replaced by T.
Molecular consequence: intron variant. On other transcripts: 3 prime UTR variant (1).
Genome position (GRCh38, 1-based): chr3:42,220,574, C>T. VCF-style: chr3-42220574-C-T. GRCh37 (hg19) VCF-style: chr3-42262066-C-T.
Other names: c.*3C>T (NM_001349247.2); c.1691+978C>T (NM_001349245.1); c.2003+978C>T (NM_001349246.2); c.1844+978C>T (NM_001349249.1); c.1781+978C>T (NM_001349248.1).
Identifiers: ClinVar variation 1695071 (VCV001695071.31), dbSNP rs74395004, ClinGen allele CA11359010.